The following is an entry in ClinVar:

ClinVar aggregate classification (germline): Likely benign (0 of 4 stars; one submission).

Conditions:
CCAR2-related disorder. Also called: CCAR2-related condition.

Allele frequency attached by ClinVar (database versions not stated): gnomAD 0.00001; TOPMed 0.00001.
gnomAD v4.1: 7 of 1,614,000 alleles (0.00043%); highest among the groups gnomAD compares: African/African-American, 0.0027%; no homozygotes.

Submission:

PreventionGenetics, part of Exact Sciences
Classification: Likely benign for CCAR2-related condition. Last evaluated: 2019-05-20. Review status: no assertion criteria provided. Collection method: clinical testing. Allele origin: germline.
Comment: This variant is classified as likely benign based on ACMG/AMP sequence variant interpretation guidelines (Richards et al. 2015 PMID: 25741868, with internal and published modifications).

NM_001393997.1(CCAR2):c.1014G>A (p.Thr338=)

Gene: CCAR2 (cell cycle and apoptosis regulator 2; plus strand). Cytogenetic location: 8p21.3.
Variant type: single nucleotide variant.
Coding change: c.1014G>A on transcript NM_001393997.1 (MANE Select); coding-DNA position 1014, G replaced by A.
Protein change: p.Thr338=; no amino-acid change (threonine 338 retained).
Molecular consequence: synonymous variant.
Genome position (GRCh38, 1-based): chr8:22,614,476, G>A. VCF-style: chr8-22614476-G-A. GRCh37 (hg19) VCF-style: chr8-22471989-G-A.
Other names: c.1014G>A, p.Thr338= (NM_001363068.2, NM_001363069.2, NM_021174.6).
Identifiers: ClinVar variation 3041917 (VCV003041917.2), dbSNP rs752938636, ClinGen allele CA459931187.